The following is an entry in ClinVar:

NM_000179.3(MSH6):c.2102T>C (p.Leu701Ser)

Gene: MSH6 (mutS homolog 6; plus strand). Cytogenetic location: 2p16.3.
Variant type: single nucleotide variant.
Coding change: c.2102T>C on transcript NM_000179.3 (MANE Select); coding-DNA position 2102, T replaced by C.
Protein change: p.Leu701Ser; replaces leucine 701 with serine.
Molecular consequence: missense variant.
Genome position (GRCh38, 1-based): chr2:47,800,085, T>C. VCF-style: chr2-47800085-T-C. GRCh37 (hg19) VCF-style: chr2-48027224-T-C.
Other names: c.1712T>C, p.Leu571Ser (NM_001281492.2); c.1196T>C, p.Leu399Ser (NM_001281493.2, NM_001281494.2); short protein forms L399S, L571S, L701S.
Identifiers: ClinVar variation 1007842 (VCV001007842.13), dbSNP rs1669420541, ClinGen allele CA346750904.

ClinVar aggregate classification (germline): Conflicting classifications of pathogenicity. Review status: criteria provided, conflicting classifications (1 of 4 stars). 2 submissions from 2 submitters: Likely pathogenic (1); Uncertain significance (1). Last evaluated 2024-07-11.

Conditions:
Hereditary nonpolyposis colorectal neoplasms. Identifiers: MedGen C0009405, MeSH D003123.
Hereditary cancer-predisposing syndrome. Also called: Tumor predisposition; Hereditary neoplastic syndrome; Neoplastic Syndromes, Hereditary; Hereditary Cancer Syndrome. Identifiers: Orphanet 140162, MedGen C0027672, MeSH D009386, MONDO:0015356.

Submissions (2):

Ambry Genetics
Classification: Likely pathogenic for Hereditary cancer-predisposing syndrome. Last evaluated: 2024-07-11. Review status: criteria provided, single submitter. Criteria: Ambry Variant Classification Scheme 2023. Collection method: clinical testing. Allele origin: germline.
Comment: The p.L701S variant (also known as c.2102T>C), located in coding exon 4 of the MSH6 gene, results from a T to C substitution at nucleotide position 2102. The leucine at codon 701 is replaced by serine, an amino acid with dissimilar properties. This variant has been identified in probands whose Lynch syndrome-associated tumor demonstrated loss of MSH6 expression by immunohistochemistry (Li S et al. J. Med. Genet. 2020 Jan;57:62-69; external communication, Ambry internal data). This amino acid position is highly conserved in available vertebrate species. In addition, this alteration is predicted to be deleterious by in silico analysis. Based on the majority of available evidence to date, this variant is likely to be pathogenic.

Labcorp Genetics (formerly Invitae), Labcorp
Classification: Uncertain significance for Hereditary nonpolyposis colorectal neoplasms. Last evaluated: 2020-07-16. Review status: criteria provided, single submitter. Criteria: Invitae Variant Classification Sherloc (09022015). Collection method: clinical testing. Allele origin: germline.
Comment: In summary, the available evidence is currently insufficient to determine the role of this variant in disease. Therefore, it has been classified as a Variant of Uncertain Significance. Advanced modeling of protein sequence and biophysical properties (such as structural, functional, and spatial information, amino acid conservation, physicochemical variation, residue mobility, and thermodynamic stability) performed at Invitae indicates that this missense variant is expected to disrupt MSH6 protein function. This variant has not been reported in the literature in individuals with MSH6-related conditions. This variant is not present in population databases (ExAC no frequency). This sequence change replaces leucine with serine at codon 701 of the MSH6 protein (p.Leu701Ser). The leucine residue is highly conserved and there is a large physicochemical difference between leucine and serine.